The following is an entry in ClinVar:

NM_000891.3(KCNJ2):c.744A>G (p.Ile248Met)

Gene: KCNJ2 (potassium inwardly rectifying channel subfamily J member 2; plus strand). Cytogenetic location: 17q24.3.
Variant type: single nucleotide variant.
Coding change: c.744A>G on transcript NM_000891.3 (MANE Select); coding-DNA position 744, A replaced by G.
Protein change: p.Ile248Met; replaces isoleucine 248 with methionine.
Molecular consequence: missense variant.
Genome position (GRCh38, 1-based): chr17:70,175,783, A>G. VCF-style: chr17-70175783-A-G. GRCh37 (hg19) VCF-style: chr17-68171924-A-G.
Other names: short protein forms I248M.
Identifiers: ClinVar variation 2147557 (VCV002147557.5), dbSNP rs770964805, ClinGen allele CA8738763.

ClinVar aggregate classification (germline): Uncertain significance. Review status: criteria provided, multiple submitters, no conflicts (2 of 4 stars). 2 submissions from 2 submitters: Uncertain significance (2). Last evaluated 2024-05-20.

Conditions:
Andersen Tawil syndrome (LQT7). Also called: Andersen Syndrome; LONG QT SYNDROME 7; PERIODIC PARALYSIS, POTASSIUM-SENSITIVE CARDIODYSRHYTHMIC TYPE; Potassium-sensitive periodic paralysis, ventricular ectopy, and dysmorphic features; ANDERSEN CARDIODYSRHYTHMIC PERIODIC PARALYSIS. Identifiers: Orphanet 37553, MedGen C1563715, MONDO:0008222, OMIM 170390.
Short QT syndrome type 3. Identifiers: Orphanet 51083, MedGen C1865018, MONDO:0012314, OMIM 609622.

Allele frequency attached by ClinVar (database versions not stated): gnomAD exomes below 0.00001; TOPMed below 0.00001; ExAC 0.00001.
gnomAD v4.1: 1 of 1,614,218 alleles (0.000062%); highest among the groups gnomAD compares: South Asian, 0.0011%; no homozygotes.

Submissions (2):

Women's Health and Genetics/Laboratory Corporation of America, LabCorp
Classification: Uncertain significance. Last evaluated: 2024-05-20. Review status: criteria provided, single submitter. Criteria: LabCorp Variant Classification Summary - May 2015. Collection method: clinical testing. Allele origin: germline.

Labcorp Genetics (formerly Invitae), Labcorp
Classification: Uncertain significance for Short QT syndrome type 3; Andersen Tawil syndrome. Last evaluated: 2022-10-09. Review status: criteria provided, single submitter. Criteria: Invitae Variant Classification Sherloc (09022015). Collection method: clinical testing. Allele origin: germline.
Comment: In summary, the available evidence is currently insufficient to determine the role of this variant in disease. Therefore, it has been classified as a Variant of Uncertain Significance. Advanced modeling of protein sequence and biophysical properties (such as structural, functional, and spatial information, amino acid conservation, physicochemical variation, residue mobility, and thermodynamic stability) performed at Invitae indicates that this missense variant is not expected to disrupt KCNJ2 protein function. This variant has not been reported in the literature in individuals affected with KCNJ2-related conditions. This variant is present in population databases (rs770964805, gnomAD 0.007%). This sequence change replaces isoleucine, which is neutral and non-polar, with methionine, which is neutral and non-polar, at codon 248 of the KCNJ2 protein (p.Ile248Met).